The following is an entry in ClinVar:

NM_001378452.1(ITPR1):c.6942G>C (p.Glu2314Asp)

Gene: ITPR1 (inositol 1,4,5-trisphosphate receptor type 1; plus strand). Cytogenetic location: 3p26.1.
Variant type: single nucleotide variant.
Coding change: c.6942G>C on transcript NM_001378452.1 (MANE Select); coding-DNA position 6942, G replaced by C.
Protein change: p.Glu2314Asp; replaces glutamic acid 2314 with aspartic acid.
Molecular consequence: missense variant.
Genome position (GRCh38, 1-based): chr3:4,800,435, G>C. VCF-style: chr3-4800435-G-C. GRCh37 (hg19) VCF-style: chr3-4842119-G-C.
Other names: c.6798G>C, p.Glu2266Asp (NM_001099952.4); c.6897G>C, p.Glu2299Asp (NM_001168272.2); c.6753G>C, p.Glu2251Asp (NM_002222.7); short protein forms E2299D, E2266D, E2251D, E2314D.
Identifiers: ClinVar variation 3530866 (VCV003530866.2).

ClinVar aggregate classification (germline): Uncertain significance. Review status: criteria provided, multiple submitters, no conflicts (2 of 4 stars). 2 submissions from 2 submitters: Uncertain significance (2). Last evaluated 2025-04-29.

Conditions:
Inborn genetic diseases. Identifiers: MedGen C0950123, MeSH D030342.

gnomAD v4.1: 5 of 1,613,496 alleles (0.00031%); highest among the groups gnomAD compares: South Asian, 0.0022%; no homozygotes.

Submissions (2):

Labcorp Genetics (formerly Invitae), Labcorp
Classification: Uncertain significance. Last evaluated: 2025-04-29. Review status: criteria provided, single submitter. Criteria: Invitae Variant Classification Sherloc (09022015). Collection method: clinical testing. Allele origin: germline.
Comment: This sequence change replaces glutamic acid, which is acidic and polar, with aspartic acid, which is acidic and polar, at codon 2251 of the ITPR1 protein (p.Glu2251Asp). This variant is present in population databases (rs768869431, gnomAD 0.003%). This variant has not been reported in the literature in individuals affected with ITPR1-related conditions. ClinVar contains an entry for this variant (Variation ID: 3530866). Invitae Evidence Modeling of protein sequence and biophysical properties (such as structural, functional, and spatial information, amino acid conservation, physicochemical variation, residue mobility, and thermodynamic stability) indicates that this missense variant is not expected to disrupt ITPR1 protein function with a negative predictive value of 95%. In summary, the available evidence is currently insufficient to determine the role of this variant in disease. Therefore, it has been classified as a Variant of Uncertain Significance.

Ambry Genetics
Classification: Uncertain significance for Inborn genetic diseases. Last evaluated: 2024-10-19. Review status: criteria provided, single submitter. Criteria: Ambry Variant Classification Scheme 2023. Collection method: clinical testing. Allele origin: germline.